The following is an entry in ClinVar:

NM_000051.4(ATM):c.2561C>A (p.Ser854Tyr)

Gene: ATM (ATM serine/threonine kinase; plus strand). Cytogenetic location: 11q22.3.
Variant type: single nucleotide variant.
Coding change: c.2561C>A on transcript NM_000051.4 (MANE Select); coding-DNA position 2561, C replaced by A.
Protein change: p.Ser854Tyr; replaces serine 854 with tyrosine.
Molecular consequence: missense variant.
Genome position (GRCh38, 1-based): chr11:108,267,265, C>A. VCF-style: chr11-108267265-C-A. GRCh37 (hg19) VCF-style: chr11-108137992-C-A.
Other names: c.2561C>A, p.Ser854Tyr (NM_001351834.2); c.2561C>A (NM_000051.2); short protein forms S854Y.
Identifiers: ClinVar variation 420385 (VCV000420385.27), dbSNP rs778123895, ClinGen allele CA6265060.
Genomic context (GRCh38, chr11:108,267,265, plus strand): 5'-AAGTAGAATCAATGGAAGATGATACTAATGGAAATCTAATGGAGGTGGAGGATCAGTCAT[C>A]CATGAATCTATTTAACGATTACCCTGATAGTAGTGTTAGTGATGCAAACGAACCTGGAGA-3'
Protein context (NP_000042.3, residues 844-864): GNLMEVEDQS[Ser854Tyr]MNLFNDYPDS

ClinVar aggregate classification (germline): Conflicting classifications of pathogenicity. Review status: criteria provided, conflicting classifications (1 of 4 stars). 8 submissions from 8 submitters: Uncertain significance (7); Likely benign (1). Last evaluated 2025-10-09.

Conditions:
Hereditary cancer-predisposing syndrome. Also called: Hereditary neoplastic syndrome; Hereditary Cancer Syndrome; Neoplastic Syndromes, Hereditary; Tumor predisposition. Identifiers: Orphanet 140162, MedGen C0027672, MeSH D009386, MONDO:0015356.
Familial colorectal cancer type X. Identifiers: Orphanet 440437, MedGen C3896578, MONDO:0018604.
Familial cancer of breast. Also called: hereditary breast carcinoma; Hereditary breast cancer; BREAST CANCER, FAMILIAL. Identifiers: Orphanet 227535, MedGen C0346153, MONDO:0016419, OMIM 114480. Disease mechanism: loss of function.
Ataxia-telangiectasia syndrome (AT). Also called: Ataxia-telangiectasia, complementation group D; Cerebello-oculocutaneous telangiectasia; Immunodeficiency with ataxia telangiectasia; ATAXIA-TELANGIECTASIA, COMPLEMENTATION GROUP A; ATAXIA-TELANGIECTASIA, FRESNO VARIANT; LOUIS-BAR SYNDROME. Identifiers: Orphanet 100, MedGen C0004135, MONDO:0008840, OMIM 208900.

Allele frequency attached by ClinVar (database versions not stated): gnomAD exomes below 0.00001 and 0.00001; ExAC 0.00001; gnomAD 0.00002 and 0.00003; TOPMed 0.00004.

Submissions (8):

Ambry Genetics
Classification: Likely benign for Hereditary cancer-predisposing syndrome. Last evaluated: 2025-10-09. Review status: criteria provided, single submitter. Criteria: Ambry Variant Classification Scheme 2023. Collection method: clinical testing. Allele origin: germline.

Labcorp Genetics (formerly Invitae), Labcorp
Classification: Uncertain significance for Ataxia-telangiectasia syndrome. Last evaluated: 2024-11-19. Review status: criteria provided, single submitter. Criteria: Invitae Variant Classification Sherloc (09022015). Collection method: clinical testing. Allele origin: germline.
Comment: This sequence change replaces serine, which is neutral and polar, with tyrosine, which is neutral and polar, at codon 854 of the ATM protein (p.Ser854Tyr). This variant is present in population databases (rs778123895, gnomAD 0.006%). This variant has not been reported in the literature in individuals affected with ATM-related conditions. ClinVar contains an entry for this variant (Variation ID: 420385). Invitae Evidence Modeling of protein sequence and biophysical properties (such as structural, functional, and spatial information, amino acid conservation, physicochemical variation, residue mobility, and thermodynamic stability) indicates that this missense variant is not expected to disrupt ATM protein function with a negative predictive value of 95%. In summary, the available evidence is currently insufficient to determine the role of this variant in disease. Therefore, it has been classified as a Variant of Uncertain Significance.

Baylor Genetics
Classification: Uncertain significance for Familial cancer of breast. Last evaluated: 2024-03-27. Review status: criteria provided, single submitter. Criteria: ACMG Guidelines, 2015. Collection method: clinical testing. Allele origin: unknown.

Color Diagnostics, LLC DBA Color Health
Classification: Uncertain significance for Hereditary cancer-predisposing syndrome. Last evaluated: 2023-12-05. Review status: criteria provided, single submitter. Criteria: ACMG Guidelines, 2015. Collection method: clinical testing. Allele origin: germline.
Comment: This missense variant replaces serine with tyrosine at codon 854 of the ATM protein. Computational prediction suggests that this variant may not impact protein structure and function (internally defined REVEL score threshold <= 0.5, PMID: 27666373). To our knowledge, functional studies have not been reported for this variant. This variant has not been reported in individuals affected with ATM-related disorders in the literature. This variant has been identified in 2/251426 chromosomes in the general population by the Genome Aggregation Database (gnomAD). The available evidence is insufficient to determine the role of this variant in disease conclusively. Therefore, this variant is classified as a Variant of Uncertain Significance.

Women's Health and Genetics/Laboratory Corporation of America, LabCorp
Classification: Uncertain significance. Last evaluated: 2023-09-07. Review status: criteria provided, single submitter. Criteria: LabCorp Variant Classification Summary - May 2015. Collection method: clinical testing. Allele origin: germline.

GeneDx
Classification: Uncertain significance. Last evaluated: 2023-06-12. Review status: criteria provided, single submitter. Criteria: GeneDx Variant Classification Process June 2021. Collection method: clinical testing. Allele origin: germline. Affected: yes.
Comment: Has not been previously published as pathogenic or benign to our knowledge; In silico analysis supports that this missense variant does not alter protein structure/function; Not observed at significant frequency in large population cohorts (gnomAD)

Department of Pathology and Laboratory Medicine, Sinai Health System
Classification: Uncertain significance for Familial colorectal cancer type X. Last evaluated: 2022-08-03. Review status: criteria provided, single submitter. Criteria: ACMG Guidelines, 2015. Collection method: clinical testing. Allele origin: germline. Affected: yes.

Sema4
Classification: Uncertain significance for Hereditary cancer-predisposing syndrome. Last evaluated: 2021-06-23. Review status: criteria provided, single submitter. Criteria: Sema4 Curation Guidelines. Collection method: curation. Allele origin: germline.
Comment: The ATM c.2561C>A (p.S854Y) variant has not been reported in the literature to our knowledge. It was observed in 2/34586 chromosomes of the Latino subpopulation in the large and broad cohorts of the Genome Aggregation Database. The variant has been reported in ClinVar (Variation ID 420385). In silico tools suggest the impact of the variant on protein function is benign, though these predictions have not been confirmed by functional studies. The evidence is insufficient to meet ACMG/AMP criteria for classifying the variant as benign or pathogenic. Thus, the clinical significance of this variant is currently uncertain.